The following is an entry in ClinVar:

NM_019112.4(ABCA7):c.4354G>A (p.Asp1452Asn)

Gene: ABCA7 (ATP binding cassette subfamily A member 7; plus strand). Cytogenetic location: 19p13.3.
Variant type: single nucleotide variant.
Coding change: c.4354G>A on transcript NM_019112.4 (MANE Select); coding-DNA position 4354, G replaced by A.
Protein change: p.Asp1452Asn; replaces aspartic acid 1452 with asparagine.
Molecular consequence: missense variant.
Genome position (GRCh38, 1-based): chr19:1,056,181, G>A. VCF-style: chr19-1056181-G-A. GRCh37 (hg19) VCF-style: chr19-1056180-G-A.
Other names: short protein forms D1452N.
Identifiers: ClinVar variation 3856190 (VCV003856190.2).

ClinVar aggregate classification (germline): Uncertain significance. Review status: criteria provided, multiple submitters, no conflicts (2 of 4 stars). 2 submissions from 2 submitters: Uncertain significance (2). Last evaluated 2026-03-03.

Submissions (2):

Women's Health and Genetics/Laboratory Corporation of America, LabCorp
Classification: Uncertain significance. Last evaluated: 2026-03-03. Review status: criteria provided, single submitter. Criteria: LabCorp Variant Classification Summary - May 2015. Collection method: clinical testing. Allele origin: germline.
Comment: Variant summary: ABCA7 c.4354G>A (p.Asp1452Asn) results in a conservative amino acid change in the encoded protein sequence. Algorithms developed to predict the effect of missense changes on protein structure and function all suggest that this variant is likely to be tolerated. The variant allele was found at a frequency of 3.7e-05 in 245192 control chromosomes. The available data on variant occurrences in the general population are insufficient to allow any conclusion about variant significance. To our knowledge, no occurrence of c.4354G>A in individuals affected with ABCA7-related conditions and no experimental evidence demonstrating its impact on protein function have been reported. ClinVar contains an entry for this variant (Variation ID: 3856190). Based on the evidence outlined above, the variant was classified as uncertain significance.

Ambry Genetics
Classification: Uncertain significance. Last evaluated: 2025-02-25. Review status: criteria provided, single submitter. Criteria: Ambry Variant Classification Scheme 2023. Collection method: clinical testing. Allele origin: germline.